The following is an entry in ClinVar:

ClinVar aggregate classification (germline): Conflicting classifications of pathogenicity. Review status: criteria provided, conflicting classifications (1 of 4 stars). 9 submissions from 5 submitters: Uncertain significance (3); Benign (3); Likely benign (3). Last evaluated 2026-09-06.

Conditions:
Dilated cardiomyopathy 1G (CMD1G). Identifiers: Orphanet 154, MedGen C1858763, MONDO:0011400, OMIM 604145.
Autosomal recessive limb-girdle muscular dystrophy type 2J (LGMDR10). Also called: Limb-girdle muscular dystrophy, type 2J; MUSCULAR DYSTROPHY, LIMB-GIRDLE, AUTOSOMAL RECESSIVE 10. Identifiers: Orphanet 140922, MedGen C1837342, MONDO:0012127, OMIM 608807.
TTN-related disorder. Also called: TTN-related disorders; TTN-related condition; TTN-related disease.
Early-onset myopathy with fatal cardiomyopathy (CMYO5). Also called: Salih Myopathy; CONGENITAL MYOPATHY 5 WITH CARDIOMYOPATHY. Identifiers: Orphanet 289377, MedGen C2673677, MONDO:0012714, OMIM 611705. Disease mechanism: loss of function.
Myopathy, myofibrillar, 9, with early respiratory failure (MFM9). Also called: MYOPATHY, PROXIMAL, WITH EARLY RESPIRATORY MUSCLE INVOLVEMENT; Hereditary myopathy with early respiratory failure; Myopathy, distal, with early respiratory failure, autosomal dominant; EDSTROM MYOPATHY. Identifiers: Orphanet 178464, Orphanet 34521, MedGen C1863599, MONDO:0011362, OMIM 603689.
Tibial muscular dystrophy (TMD). Also called: UDD MYOPATHY; Tibial muscular dystrophy, tardive; Udd Distal Myopathy – Tibial Muscular Dystrophy. Identifiers: Orphanet 609, MedGen C1838244, MONDO:0010870, OMIM 600334.

Allele frequency attached by ClinVar (database versions not stated): gnomAD exomes 0.00006 and 0.00037; gnomAD 0.00010 and 0.00012; 1000 Genomes Project 30x 0.00016; TOPMed 0.00017; 1000 Genomes Project 0.00020; ExAC 0.00027.
gnomAD v4.1: 115 of 1,612,154 alleles (0.0071%); highest among the groups gnomAD compares: East Asian, 0.24%; no homozygotes.

Submissions (9):

PreventionGenetics, part of Exact Sciences
Classification: Likely benign for TTN-related condition. Last evaluated: 2026-09-06. Review status: criteria provided, single submitter. Criteria: ACMG Guidelines, 2015. Collection method: clinical testing. Allele origin: germline.
Comment: This variant is classified as likely benign based on ACMG/AMP sequence variant interpretation guidelines (Richards et al. 2015 PMID: 25741868, with internal and published modifications).

Labcorp Genetics (formerly Invitae), Labcorp
Classification: Benign for Dilated cardiomyopathy 1G; Autosomal recessive limb-girdle muscular dystrophy type 2J. Last evaluated: 2026-01-26. Review status: criteria provided, single submitter. Criteria: Invitae Variant Classification Sherloc (09022015). Collection method: clinical testing. Allele origin: germline.

Blueprint Genetics
Classification: Likely benign. Last evaluated: 2024-09-23. Review status: criteria provided, single submitter. Criteria: ACMG Guidelines, 2015. Collection method: clinical testing. Allele origin: germline.

GeneDx
Classification: Likely benign. Last evaluated: 2019-03-11. Review status: criteria provided, single submitter. Criteria: GeneDx Variant Classification Process June 2021. Collection method: clinical testing. Allele origin: germline. Affected: yes.

Illumina Laboratory Services, Illumina
Classification: Benign for Tibial muscular dystrophy. Last evaluated: 2018-01-13. Review status: criteria provided, single submitter. Criteria: ICSL Variant Classification Criteria 13 December 2019. Collection method: clinical testing. Allele origin: germline.
Comment: This variant was observed in the ICSL laboratory as part of a predisposition screen in an ostensibly healthy population. It had not been previously curated by ICSL or reported in the Human Gene Mutation Database (HGMD: prior to June 1st, 2018), and was therefore a candidate for classification through an automated scoring system. Utilizing variant allele frequency, disease prevalence and penetrance estimates, and inheritance mode, an automated score was calculated to assess if this variant is too frequent to cause the disease. Based on the score and internal cut-off values, a variant classified as benign is not then subjected to further curation. The score for this variant resulted in a classification of benign for this disease.

Illumina Laboratory Services, Illumina
Classification: Uncertain significance for Early-onset myopathy with fatal cardiomyopathy. Last evaluated: 2018-01-13. Review status: criteria provided, single submitter. Criteria: ICSL Variant Classification Criteria 13 December 2019. Collection method: clinical testing. Allele origin: germline.

Illumina Laboratory Services, Illumina
Classification: Benign for Myopathy, myofibrillar, 9, with early respiratory failure. Last evaluated: 2018-01-13. Review status: criteria provided, single submitter. Criteria: ICSL Variant Classification Criteria 13 December 2019. Collection method: clinical testing. Allele origin: germline.
Comment: the same text as in the submission from Illumina Laboratory Services, Illumina above.

Illumina Laboratory Services, Illumina
Classification: Uncertain significance for Autosomal recessive limb-girdle muscular dystrophy type 2J. Last evaluated: 2018-01-13. Review status: criteria provided, single submitter. Criteria: ICSL Variant Classification Criteria 13 December 2019. Collection method: clinical testing. Allele origin: germline.

Illumina Laboratory Services, Illumina
Classification: Uncertain significance for Dilated cardiomyopathy 1G. Last evaluated: 2018-01-13. Review status: criteria provided, single submitter. Criteria: ICSL Variant Classification Criteria 13 December 2019. Collection method: clinical testing. Allele origin: germline.

NM_001267550.2(TTN):c.22473C>T (p.Cys7491=)

Gene: TTN (titin; minus strand). Cytogenetic location: 2q31.2.
Variant type: single nucleotide variant.
Coding change: c.22473C>T on transcript NM_001267550.2 (MANE Select); coding-DNA position 22473, C replaced by T.
Protein change: p.Cys7491=; no amino-acid change (cysteine 7491 retained).
Molecular consequence: synonymous variant. On other transcripts: intron variant (3).
Genome position (GRCh38, 1-based): chr2:178,722,314, G>A on the plus strand (C>T on the coding strand, the complement: TTN is on the minus strand). VCF-style: chr2-178722314-G-A. GRCh37 (hg19) VCF-style: chr2-179587041-G-A.
Other names: c.21522C>T, p.Cys7174= (NM_001256850.1); c.18741C>T, p.Cys6247= (NM_133378.4); c.13282+15768C>T (NM_003319.4); c.13858+15768C>T (NM_133437.4); c.13657+15768C>T (NM_133432.3).
Identifiers: ClinVar variation 332914 (VCV000332914.19), dbSNP rs566454891, ClinGen allele CA2000833.
Genomic context (GRCh38, chr2:178,722,314, plus strand): 5'-CAAACCTCTTGCTGTGAGTCTAGCACTAGAAGATGCTGTTCCAAGTGGGTTGGAAGCTGA[G>A]CAAGAGTACTGGCCAGAGTGACTCAAGTCAGTTTGCAAAATTTTTAAAGTTGCCACATTA-3'
Protein context (NP_001254479.2, residues 7481-7501): TDLSHSGQYS[Cys7491=]SASNPLGTAS